The following is an entry in ClinVar:

NM_000540.3(RYR1):c.9062C>T (p.Pro3021Leu)

Gene: RYR1 (ryanodine receptor 1; plus strand). Cytogenetic location: 19q13.2.
Variant type: single nucleotide variant.
Coding change: c.9062C>T on transcript NM_000540.3 (MANE Select); coding-DNA position 9062, C replaced by T.
Protein change: p.Pro3021Leu; replaces proline 3021 with leucine.
Molecular consequence: missense variant.
Genome position (GRCh38, 1-based): chr19:38,510,721, C>T. VCF-style: chr19-38510721-C-T. GRCh37 (hg19) VCF-style: chr19-39001361-C-T.
Other names: c.9062C>T, p.Pro3021Leu (NM_001042723.2); short protein forms P3021L.
Identifiers: ClinVar variation 640016 (VCV000640016.9), dbSNP rs770765832, ClinGen allele CA073098.
Genomic context (GRCh38, chr19:38,510,721, plus strand): 5'-TCCTGCTCCCTTTGATCAACCAGTACTTCACCAACCACTGCCTCTATTTCTTGTCCACTC[C>T]GGCTAAAGTGCTGGGCAGCGGTGGCCACGCCTCTAACAAGGAGAAGGAAATGATCACCAG-3'
Protein context (NP_000531.2, residues 3011-3031): TNHCLYFLST[Pro3021Leu]AKVLGSGGHA

ClinVar aggregate classification (germline): Uncertain significance. Review status: criteria provided, multiple submitters, no conflicts (2 of 4 stars). 3 submissions from 3 submitters: Uncertain significance (3). Last evaluated 2023-12-18.

Conditions:
RYR1-related disorder. Also called: RYR1-related condition; RYR1-related disorders. Identifiers: MedGen CN239331.
Malignant hyperthermia, susceptibility to, 1 (MHS1). Also called: RYR1-Related Malignant Hyperthermia Susceptibility; Malignant hyperthermia suceptibility 1; Anesthesia related hyperthermia; Malignant hyperpyrexia; Fulminating hyperpyrexia; Pharmacogenic myopathy. Identifiers: Orphanet 423, MedGen C2930980, MONDO:0007783, OMIM 145600.

Allele frequency attached by ClinVar (database versions not stated): ExAC 0.00001; gnomAD exomes 0.00001.

Submissions (3):

All of Us Research Program, National Institutes of Health
Classification: Uncertain significance for Malignant hyperthermia, susceptibility to, 1. Last evaluated: 2023-12-18. Review status: criteria provided, single submitter. Criteria: ACMG Guidelines, 2015. Collection method: clinical testing. Allele origin: germline. Inheritance: Autosomal dominant inheritance. Observed: 3 variant alleles, 3 heterozygotes.
Comment: This missense variant replaces proline with leucine at codon 3021 of the RYR1 protein. Computational prediction suggests that this variant may not impact protein structure and function (internally defined REVEL score threshold <= 0.6, PMID: 27666373). To our knowledge, functional studies have not been reported for this variant. This variant has not been reported in individuals affected with autosomal dominant malignant hyperthermia in the literature, although it is associated with other phenotype(s) (ClinVar variation ID: 640016). This variant has been identified in 3/251488 chromosomes in the general population by the Genome Aggregation Database (gnomAD). Due to insufficient evidence, this variant is classified as a Variant of Uncertain Significance for autosomal dominant malignant hyperthermia.

This study involves interpretation of variants in research participants for the purpose of population health screening. Participant phenotype was not available at the time of variant classification. Additional details can be found in publication PMID: 35346344, PMCID: PMC8962531

Labcorp Genetics (formerly Invitae), Labcorp
Classification: Uncertain significance for RYR1-related disorder. Last evaluated: 2022-10-28. Review status: criteria provided, single submitter. Criteria: Invitae Variant Classification Sherloc (09022015). Collection method: clinical testing. Allele origin: germline.
Comment: This sequence change replaces proline, which is neutral and non-polar, with leucine, which is neutral and non-polar, at codon 3021 of the RYR1 protein (p.Pro3021Leu). This variant is present in population databases (rs770765832, gnomAD 0.003%). This missense change has been observed in individual(s) with autosomal recessive RYR1-related conditions (PMID: 22473935; Invitae). In at least one individual the data is consistent with being in trans (on the opposite chromosome) from a pathogenic variant. ClinVar contains an entry for this variant (Variation ID: 640016). Advanced modeling of protein sequence and biophysical properties (such as structural, functional, and spatial information, amino acid conservation, physicochemical variation, residue mobility, and thermodynamic stability) performed at Invitae indicates that this missense variant is not expected to disrupt RYR1 protein function. In summary, the available evidence is currently insufficient to determine the role of this variant in disease. Therefore, it has been classified as a Variant of Uncertain Significance.

Revvity Omics, Revvity
Classification: Uncertain significance. Last evaluated: 2019-10-21. Review status: criteria provided, single submitter. Criteria: ACMG Guidelines, 2015. Collection method: clinical testing. Allele origin: germline.

Literature cited by the submitters: PubMed 22473935 (cited by Labcorp Genetics (formerly Invitae), Labcorp).